The following is an entry in ClinVar:

ClinVar aggregate classification (germline): Uncertain significance. Review status: criteria provided, multiple submitters, no conflicts (2 of 4 stars). 2 submissions from 2 submitters: Uncertain significance (2). Last evaluated 2026-03-29.

Conditions:
Hereditary cancer-predisposing syndrome. Also called: Neoplastic Syndromes, Hereditary; Tumor predisposition; Hereditary neoplastic syndrome; Hereditary Cancer Syndrome. Identifiers: Orphanet 140162, MedGen C0027672, MeSH D009386, MONDO:0015356.
POLD1-related polyposis and colorectal cancer syndrome (CRCS10). Also called: COLORECTAL CANCER, SUSCEPTIBILITY TO, ON CHROMOSOME 19q; Colorectal cancer 10; Colorectal cancer, susceptibility to, 10. Identifiers: Orphanet 220460, MedGen C2675481, MONDO:0012953, OMIM 612591.

Allele frequency attached by ClinVar (database versions not stated): gnomAD exomes below 0.00001; TOPMed below 0.00001; ExAC 0.00001.
gnomAD v4.1: 5 of 1,614,052 alleles (0.00031%); highest among the groups gnomAD compares: South Asian, 0.0022%; no homozygotes.

Submissions (2):

Ambry Genetics
Classification: Uncertain significance for Hereditary cancer-predisposing syndrome. Last evaluated: 2026-03-29. Review status: criteria provided, single submitter. Criteria: Ambry Variant Classification Scheme 2023. Collection method: clinical testing. Allele origin: germline.
Comment: The p.N169S variant (also known as c.506A>G), located in coding exon 4 of the POLD1 gene, results from an A to G substitution at nucleotide position 506. The asparagine at codon 169 is replaced by serine, an amino acid with highly similar properties. This amino acid position is conserved. In addition, this alteration is predicted to be tolerated by in silico analysis. Based on the available evidence, the clinical significance of this variant remains unclear.

Labcorp Genetics (formerly Invitae), Labcorp
Classification: Uncertain significance for POLD1-related polyposis and colorectal cancer syndrome. Last evaluated: 2023-12-26. Review status: criteria provided, single submitter. Criteria: Invitae Variant Classification Sherloc (09022015). Collection method: clinical testing. Allele origin: germline.
Comment: This sequence change replaces asparagine, which is neutral and polar, with serine, which is neutral and polar, at codon 169 of the POLD1 protein (p.Asn169Ser). This variant is present in population databases (rs781721165, gnomAD 0.0009%). This variant has not been reported in the literature in individuals affected with POLD1-related conditions. ClinVar contains an entry for this variant (Variation ID: 1719905). Advanced modeling of protein sequence and biophysical properties (such as structural, functional, and spatial information, amino acid conservation, physicochemical variation, residue mobility, and thermodynamic stability) performed at Invitae indicates that this missense variant is not expected to disrupt POLD1 protein function with a negative predictive value of 80%. In summary, the available evidence is currently insufficient to determine the role of this variant in disease. Therefore, it has been classified as a Variant of Uncertain Significance.

NM_002691.4(POLD1):c.506A>G (p.Asn169Ser)

Gene: POLD1 (DNA polymerase delta 1, catalytic subunit; plus strand). Cytogenetic location: 19q13.33.
Variant type: single nucleotide variant.
Coding change: c.506A>G on transcript NM_002691.4 (MANE Select); coding-DNA position 506, A replaced by G.
Protein change: p.Asn169Ser; replaces asparagine 169 with serine.
Molecular consequence: missense variant. On other transcripts: non-coding transcript variant (1).
Genome position (GRCh38, 1-based): chr19:50,402,041, A>G. VCF-style: chr19-50402041-A-G. GRCh37 (hg19) VCF-style: chr19-50905298-A-G.
Other names: c.506A>G, p.Asn169Ser (NM_001256849.1, NM_001308632.1); c.506A>G (NM_002691.2); short protein forms N169S.
Identifiers: ClinVar variation 1719905 (VCV001719905.6), dbSNP rs781721165, ClinGen allele CA9595766.